The following is an entry in ClinVar:

ClinVar aggregate classification (germline): Uncertain significance (1 of 4 stars; one submission).

Submission:

Ambry Genetics
Classification: Uncertain significance. Last evaluated: 2024-04-24. Review status: criteria provided, single submitter. Criteria: Ambry Variant Classification Scheme 2023. Collection method: clinical testing. Allele origin: germline.
Comment: The c.972+1G>A intronic alteration consists of a G to A substitution one nucleotide after exon 7 (coding exon 7) of the PABPC1 gene. Alterations that disrupt the canonical splice site are expected to cause aberrant splicing, resulting in an abnormal protein or a transcript that is subject to nonsense-mediated mRNA decay. However, loss of function of PABPC1 has not been established as a mechanism of disease. This variant was not reported in population-based cohorts in the Genome Aggregation Database (gnomAD). This nucleotide position is highly conserved in available vertebrate species. RNA studies have demonstrated that this alteration results in abnormal splicing in the set of samples tested; however, the evidence for this gene-disease relationship is limited (Ambry internal data). In silico splice site analysis predicts that this alteration will weaken the native splice donor site and may result in the creation or strengthening of a novel splice donor site. Based on insufficient or conflicting evidence, the clinical significance of this alteration remains unclear.

NM_002568.4(PABPC1):c.972+1G>A

Gene: PABPC1 (poly(A) binding protein cytoplasmic 1; minus strand). Cytogenetic location: 8q22.3.
Variant type: single nucleotide variant.
Coding change: c.972+1G>A on transcript NM_002568.4 (MANE Select); the canonical splice donor site of the intron after coding-DNA position 972, G replaced by A.
Molecular consequence: splice donor variant.
Genome position (GRCh38, 1-based): chr8:100,712,361, C>T on the plus strand (G>A on the coding strand, the complement: PABPC1 is on the minus strand). VCF-style: chr8-100712361-C-T. GRCh37 (hg19) VCF-style: chr8-101724589-C-T.
Identifiers: ClinVar variation 3303851 (VCV003303851.1).